The following is an entry in ClinVar:

NM_006302.3(MOGS):c.1978A>C (p.Lys660Gln)

Gene: MOGS (mannosyl-oligosaccharide glucosidase; minus strand). Cytogenetic location: 2p13.1.
Variant type: single nucleotide variant.
Coding change: c.1978A>C on transcript NM_006302.3 (MANE Select); coding-DNA position 1978, A replaced by C.
Protein change: p.Lys660Gln; replaces lysine 660 with glutamine.
Molecular consequence: missense variant.
Genome position (GRCh38, 1-based): chr2:74,461,811, T>G on the plus strand (A>C on the coding strand, the complement: MOGS is on the minus strand). VCF-style: chr2-74461811-T-G. GRCh37 (hg19) VCF-style: chr2-74688938-T-G.
Other names: c.1660A>C, p.Lys554Gln (NM_001146158.2); short protein forms K554Q, K660Q.
Identifiers: ClinVar variation 1377421 (VCV001377421.6), dbSNP rs1366931512, ClinGen allele CA347368884.

ClinVar aggregate classification (germline): Uncertain significance (1 of 4 stars; one submission).

Conditions:
MOGS-congenital disorder of glycosylation. Also called: CDG IIb; GLUCOSIDASE I DEFICIENCY; CDG 2B; MOGS-CDG. Identifiers: Orphanet 79330, MedGen C1853736, MONDO:0011629, OMIM 606056.

Allele frequency attached by ClinVar (database versions not stated): gnomAD exomes below 0.00001; gnomAD 0.00001; TOPMed 0.00001.

Submission:

Labcorp Genetics (formerly Invitae), Labcorp
Classification: Uncertain significance for MOGS-congenital disorder of glycosylation. Last evaluated: 2023-07-17. Review status: criteria provided, single submitter. Criteria: Invitae Variant Classification Sherloc (09022015). Collection method: clinical testing. Allele origin: germline.
Comment: In summary, the available evidence is currently insufficient to determine the role of this variant in disease. Therefore, it has been classified as a Variant of Uncertain Significance. An algorithm developed to predict the effect of missense changes on protein structure and function (PolyPhen-2) suggests that this variant is likely to be tolerated. ClinVar contains an entry for this variant (Variation ID: 1377421). This variant has not been reported in the literature in individuals affected with MOGS-related conditions. This variant is present in population databases (no rsID available, gnomAD 0.007%). This sequence change replaces lysine, which is basic and polar, with glutamine, which is neutral and polar, at codon 660 of the MOGS protein (p.Lys660Gln).